The following is an entry in ClinVar:

NM_000540.3(RYR1):c.13891T>A (p.Tyr4631Asn)

Gene: RYR1 (ryanodine receptor 1; plus strand). Cytogenetic location: 19q13.2.
Variant type: single nucleotide variant.
Coding change: c.13891T>A on transcript NM_000540.3 (MANE Select); coding-DNA position 13891, T replaced by A.
Protein change: p.Tyr4631Asn; replaces tyrosine 4631 with asparagine.
Molecular consequence: missense variant.
Genome position (GRCh38, 1-based): chr19:38,572,163, T>A. VCF-style: chr19-38572163-T-A. GRCh37 (hg19) VCF-style: chr19-39062803-T-A.
Other names: c.13876T>A, p.Tyr4626Asn (NM_001042723.2); short protein forms Y4631N, Y4626N.
Identifiers: ClinVar variation 66002 (VCV000066002.3), dbSNP rs118192132, ClinGen allele CA024074.
Genomic context (GRCh38, chr19:38,572,163, plus strand): 5'-GGCTGGGGCTTGGGGGCCGGAGAGGAGGCAGAGGGCGATGAGGATGAGAACATGGTGTAC[T>A]ACTTCCTGGAGGAAAGCACAGGCTACATGGAACCCGCCCTGCGGTGTCTGAGCCTCCTGC-3'
Protein context (NP_000531.2, residues 4621-4641): EGDEDENMVY[Tyr4631Asn]FLEESTGYME

ClinVar aggregate classification (germline): Pathogenic. Review status: no assertion criteria provided (0 of 4 stars). 2 submissions from 2 submitters: Pathogenic (1). 1 of the submissions does not count toward it. Last evaluated 2010-05-11.

Conditions:
Central core myopathy (CMYO1A). Also called: Central core disease; Myopathy, central fibrillar; CONGENITAL MYOPATHY 1A, AUTOSOMAL DOMINANT, WITH SUSCEPTIBILITY TO MALIGNANT HYPERTHERMIA. Identifiers: Orphanet 597, MedGen C5830701, MONDO:0007294, OMIM 117000.

Submissions (2):

GeneReviews
Classification: Pathogenic for Central Core Disease. Last evaluated: 2010-05-11. Review status: no assertion criteria provided. Collection method: curation. Allele origin: unknown.
ClinVar note: Converted during submission from pathologic to Pathogenic.

RYR1 database
No classification provided. Review status: no classification provided. Collection method: not provided. Allele origin: unknown. Not counted in ClinVar's aggregate classification.